The following is an entry in ClinVar:

ClinVar aggregate classification (germline): Pathogenic/Likely pathogenic. Review status: criteria provided, multiple submitters, no conflicts (2 of 4 stars). 2 submissions from 2 submitters: Pathogenic (1); Likely pathogenic (1). Last evaluated 2023-10-09.

Conditions:
Hereditary cancer-predisposing syndrome. Also called: Hereditary Cancer Syndrome; Hereditary neoplastic syndrome; Tumor predisposition; Neoplastic Syndromes, Hereditary. Identifiers: Orphanet 140162, MedGen C0027672, MeSH D009386, MONDO:0015356.
Haddad syndrome (OHD). Also called: Ondine-Hirschsprung disease. Identifiers: Orphanet 99803, MedGen C1859049, MONDO:0020493.

Submissions (2):

Labcorp Genetics (formerly Invitae), Labcorp
Classification: Likely pathogenic for Haddad syndrome. Last evaluated: 2023-10-09. Review status: criteria provided, single submitter. Criteria: Invitae Variant Classification Sherloc (09022015). Collection method: clinical testing. Allele origin: germline.
Comment: This sequence change affects an acceptor splice site in intron 1 of the PHOX2B gene. It is expected to disrupt RNA splicing. Variants that disrupt the donor or acceptor splice site typically lead to a loss of protein function (PMID: 16199547), and loss-of-function variants in PHOX2B are known to be pathogenic (PMID: 25156769). This variant is not present in population databases (gnomAD no frequency). Disruption of this splice site has been observed in individual(s) with PHOX2B-related conditions (PMID: 33958749). ClinVar contains an entry for this variant (Variation ID: 1791033). Algorithms developed to predict the effect of sequence changes on RNA splicing suggest that this variant may disrupt the consensus splice site. In summary, the currently available evidence indicates that the variant is pathogenic, but additional data are needed to prove that conclusively. Therefore, this variant has been classified as Likely Pathogenic.

Ambry Genetics
Classification: Pathogenic for Hereditary cancer-predisposing syndrome. Last evaluated: 2016-10-25. Review status: criteria provided, single submitter. Criteria: Ambry Variant Classification Scheme 2023. Collection method: clinical testing. Allele origin: germline.
Comment: The c.242-1G>A intronic pathogenic mutation results from a G to A substitution one nucleotide upstream from coding exon 2 of the PHOX2B gene. Alterations that disrupt the canonical splice site are expected to cause aberrant splicing, resulting in an abnormal protein or a transcript that is subject to nonsense-mediated mRNA decay. As such, this alteration is classified as a disease-causing mutation.

Literature cited by the submitters: PubMed 16199547 (cited by Labcorp Genetics (formerly Invitae), Labcorp); PubMed 25156769 (cited by Labcorp Genetics (formerly Invitae), Labcorp); PubMed 33958749 (cited by Labcorp Genetics (formerly Invitae), Labcorp).

NM_003924.4(PHOX2B):c.242-1G>A

Gene: PHOX2B (paired like homeobox 2B; minus strand). Cytogenetic location: 4p13.
Variant type: single nucleotide variant.
Coding change: c.242-1G>A on transcript NM_003924.4 (MANE Select); the canonical splice acceptor site of the intron before coding-DNA position 242, G replaced by A.
Molecular consequence: splice acceptor variant.
Genome position (GRCh38, 1-based): chr4:41,747,537, C>T on the plus strand (G>A on the coding strand, the complement: PHOX2B is on the minus strand). VCF-style: chr4-41747537-C-T. GRCh37 (hg19) VCF-style: chr4-41749554-C-T.
Identifiers: ClinVar variation 1791033 (VCV001791033.5), dbSNP rs2552097044, ClinGen allele CA356740636.